The following is an entry in ClinVar:

ClinVar aggregate classification (germline): Pathogenic (1 of 4 stars; one submission).

Conditions:
Cardiovascular phenotype. Identifiers: MedGen CN230736.

Submission:

Ambry Genetics
Classification: Pathogenic for Cardiovascular phenotype. Last evaluated: 2023-10-17. Review status: criteria provided, single submitter. Criteria: Ambry Variant Classification Scheme 2023. Collection method: clinical testing. Allele origin: germline.
Comment: The c.2519_2521delTGGinsCA pathogenic mutation, located in coding exon 25 of the MYBPC3 gene, results from the deletion of 3 nucleotides and insertion of two nucleotides causing a translational frameshift with a predicted alternate stop codon (p.V840Afs*39). This variant is considered to be rare based on population cohorts in the Genome Aggregation Database (gnomAD). This alteration is expected to result in loss of function by premature protein truncation or nonsense-mediated mRNA decay. As such, this alteration is interpreted as a disease-causing mutation.

NM_000256.3(MYBPC3):c.2519_2521delinsCA (p.Val840fs)

Gene: MYBPC3 (myosin binding protein C3; minus strand). Cytogenetic location: 11p11.2.
Variant type: Indel.
Coding change: c.2519_2521delinsCA on transcript NM_000256.3 (MANE Select); coding-DNA positions 2519 to 2521, TGG replaced by CA.
Protein change: p.Val840fs; shifts the reading frame from valine 840.
Molecular consequence: frameshift variant.
Genome position (GRCh38, 1-based): chr11:47,337,472-47,337,474, CCA replaced by TG on the plus strand (TGG replaced by CA on the coding strand, the reverse complement: MYBPC3 is on the minus strand). VCF-style: chr11-47337472-CCA-TG. GRCh37 (hg19) VCF-style: chr11-47359023-CCA-TG.
Other names: c.2519_2521delTGGinsCA (NM_000256.3); short protein forms V840fs.
Identifiers: ClinVar variation 3230878 (VCV003230878.1), dbSNP rs2495749552, ClinGen allele CA2573331896.
Genomic context (GRCh38, chr11:47,337,472, plus strand): 5'-AGGCAGGGCTGGGCCTGGACATGCCGATGGCGTTGACCGCGTAGACGCGCATCTCGTACA[CCA>TG]CGCCCTCGATCATGCGCCGCGCTTCATGACTCAGCTCCTGAATCAGGTCGAAGTTCAGCC-3'